The following is an entry in ClinVar:

ClinVar aggregate classification (germline): Pathogenic (1 of 4 stars; one submission).

Conditions:
Hereditary cancer-predisposing syndrome. Also called: Hereditary Cancer Syndrome; Hereditary neoplastic syndrome; Neoplastic Syndromes, Hereditary; Tumor predisposition. Identifiers: Orphanet 140162, MedGen C0027672, MeSH D009386, MONDO:0015356.

Submission:

Ambry Genetics
Classification: Pathogenic for Hereditary cancer-predisposing syndrome. Last evaluated: 2025-03-18. Review status: criteria provided, single submitter. Criteria: Ambry Variant Classification Scheme 2023. Collection method: clinical testing. Allele origin: germline.
Comment: The p.L318* pathogenic mutation (also known as c.953T>A), located in coding exon 9 of the APC gene, results from a T to A substitution at nucleotide position 953. This changes the amino acid from a leucine to a stop codon within coding exon 9. This alteration is expected to result in loss of function by premature protein truncation or nonsense-mediated mRNA decay. As such, this alteration is interpreted as a disease-causing mutation.

NM_000038.6(APC):c.953T>A (p.Leu318Ter)

Gene: APC (APC regulator of Wnt signaling pathway; plus strand). Cytogenetic location: 5q22.2.
Variant type: single nucleotide variant.
Coding change: c.953T>A on transcript NM_000038.6 (MANE Select); coding-DNA position 953, T replaced by A.
Protein change: p.Leu318Ter; replaces leucine 318 with a stop codon.
Molecular consequence: nonsense. On other transcripts: non-coding transcript variant (2), intron variant (15).
Genome position (GRCh38, 1-based): chr5:112,818,985, T>A. VCF-style: chr5-112818985-T-A. GRCh37 (hg19) VCF-style: chr5-112154682-T-A.
Other names: c.953T>A, p.Leu318Ter (NM_001127510.3, NM_001354895.2, NM_001354896.2 and 4 more transcripts); c.899T>A, p.Leu300Ter (NM_001127511.3); c.983T>A, p.Leu328Ter (NM_001354897.2, NM_001407446.1); c.878T>A, p.Leu293Ter (NM_001354898.2, NM_001407451.1); c.869T>A, p.Leu290Ter (NM_001354899.2, NM_001407452.1); c.776T>A, p.Leu259Ter (NM_001354900.2, NM_001354901.2, NM_001407453.1); c.104T>A, p.Leu35Ter (NM_001354906.2, NM_001407470.1); c.85-284T>A (NM_001407472.1, NM_001407471.1); and 5 more; short protein forms L300*, L290*, L293*, L328*, L318*, L35*, L259*.
Identifiers: ClinVar variation 3927967 (VCV003927967.1).